The following is an entry in ClinVar:

NM_004947.5(DOCK3):c.3770C>G (p.Ala1257Gly)

Gene: DOCK3 (dedicator of cytokinesis 3; plus strand). Cytogenetic location: 3p21.2.
Variant type: single nucleotide variant.
Coding change: c.3770C>G on transcript NM_004947.5 (MANE Select); coding-DNA position 3770, C replaced by G.
Protein change: p.Ala1257Gly; replaces alanine 1257 with glycine.
Molecular consequence: missense variant.
Genome position (GRCh38, 1-based): chr3:51,341,240, C>G. VCF-style: chr3-51341240-C-G. GRCh37 (hg19) VCF-style: chr3-51378671-C-G.
Other names: short protein forms A1257G.
Identifiers: ClinVar variation 1703095 (VCV001703095.3), dbSNP rs34183152, ClinGen allele CA2421584.

ClinVar aggregate classification (germline): Uncertain significance (1 of 4 stars; one submission).

Allele frequency attached by ClinVar (database versions not stated): gnomAD 0.00001; ExAC 0.00002; gnomAD exomes 0.00002; TOPMed 0.00002.
gnomAD v4.1: 24 of 1,571,180 alleles (0.0015%); highest among the groups gnomAD compares: Middle Eastern, 0.019%; no homozygotes.

Submission:

Greenwood Genetic Center Diagnostic Laboratories, Greenwood Genetic Center
Classification: Uncertain significance. Last evaluated: 2022-06-07. Review status: criteria provided, single submitter. Criteria: ACMG Guidelines, 2015. Collection method: clinical testing. Allele origin: germline. Affected: yes.
Comment: PM2, PP2, PP3